The following is an entry in ClinVar:

ClinVar aggregate classification (germline): Conflicting classifications of pathogenicity. Review status: criteria provided, conflicting classifications (1 of 4 stars). 4 submissions from 4 submitters: Pathogenic (1); Uncertain significance (3). Last evaluated 2026-04-14.

Conditions:
Familial intrahepatic cholestasis. Identifiers: Orphanet 284385, MedGen CN296401, MONDO:0017290.
Progressive familial intrahepatic cholestasis type 2. Identifiers: Orphanet 79304, MedGen C3489789, MONDO:0011156, OMIM 601847.

gnomAD v4.1: 6 of 1,613,942 alleles (0.00037%); highest among the groups gnomAD compares: South Asian, 0.0066%; no homozygotes.

Submissions (4):

Genomenon, Inc
Classification: Uncertain significance for Familial intrahepatic cholestasis. Last evaluated: 2026-04-14. Review status: criteria provided, single submitter. Criteria: Genomenon Sequence Variant Interpretation Standards - Updated. Collection method: curation. Allele origin: germline. Affected: yes.
Comment: ABCB11 p.Asp1243Gly (c.3728A>G) is a missense variant that changes the amino acid at residue 1243 from Aspartic acid to Glycine. This variant has been observed in at least one proband with an ABCB11-related disorder (PMID:20683201). It is absent or not present at a significant frequency in gnomAD. In silico models predict that this variant is possibly or probably damaging. In conclusion, we classify ABCB11 p.Asp1243Gly (c.3728A>G) as a variant of uncertain significance.

Broad Center for Mendelian Genomics, Broad Institute of MIT and Harvard
Classification: Uncertain significance for Progressive familial intrahepatic cholestasis type 2. Last evaluated: 2025-01-22. Review status: criteria provided, single submitter. Criteria: ACMG Guidelines, 2015. Collection method: curation. Allele origin: germline. Inheritance: Autosomal recessive inheritance.
Comment: The p.Asp1243Gly variant in ABCB11 has been reported in one individual with BSEP deficiency (PMID: 20683201), and has been identified in 0.007% (6/91076) of South Asian chromosomes by the Genome Aggregation Database (gnomAD; dbSNP ID: rs761200259). Although this variant has been seen in the general population in a heterozygous state, its frequency is low enough to be consistent with a recessive carrier frequency. This variant has also been reported in ClinVar (Variation ID: 1339159) and has been interpreted as a variant of uncertain significance by Neuberg Supratech Reference Laboratories Pvt Ltd (Neuberg Centre for Genomic Medicine). Computational prediction tools and conservation analyses suggest that this variant may impact the protein, though this information is not predictive enough to determine pathogenicity. In summary, the clinical significance of the p.Asp1243Gly variant is uncertain. ACMG/AMP Criteria applied: PP3_moderate, PM2_supporting (Richards 2015).

Rolfs Rare Disease Consulting, Rolfs Consulting Und Verwaltungs GmbH
Classification: Pathogenic for Progressive familial intrahepatic cholestasis type 2. Last evaluated: 2022-01-01. Review status: criteria provided, single submitter. Criteria: ACMG Guidelines, 2015. Collection method: clinical testing. Allele origin: germline. Affected: yes.

Neuberg Centre For Genomic Medicine, NCGM
Classification: Uncertain significance for Progressive familial intrahepatic cholestasis type 2. Review status: criteria provided, single submitter. Criteria: ACMG Guidelines, 2015. Collection method: clinical testing. Allele origin: germline. Affected: yes.
Comment: The missense variant p.D1243G in ABCB11 (NM_003742.4) has not been reported previously as a pathogenic variant nor as a benign variant, to our knowledge. The p.D1243G variant is observed in 1/30,600 (0.0033%) alleles from individuals of South Asian background in gnomAD Exomes and is novel (not in any individuals) in 1000 Genomes. The p.D1243G missense variant is predicted to be damaging by both SIFT and PolyPhen2. The aspartic acid residue at codon 1243 of ABCB11 is conserved in all mammalian species. The nucleotide c.3728 in ABCB11 is predicted conserved by GERP++ and PhyloP across 100 vertebrates. For these reasons, this variant has been classified as Uncertain Significance.

Literature cited by the submitters: PubMed 20683201 (cited by Genomenon, Inc).

NM_003742.4(ABCB11):c.3728A>G (p.Asp1243Gly)

Gene: ABCB11 (ATP binding cassette subfamily B member 11; minus strand). Cytogenetic location: 2q31.1.
Variant type: single nucleotide variant.
Coding change: c.3728A>G on transcript NM_003742.4 (MANE Select); coding-DNA position 3728, A replaced by G.
Protein change: p.Asp1243Gly; replaces aspartic acid 1243 with glycine.
Molecular consequence: missense variant.
Genome position (GRCh38, 1-based): chr2:168,924,694, T>C on the plus strand (A>G on the coding strand, the complement: ABCB11 is on the minus strand). VCF-style: chr2-168924694-T-C. GRCh37 (hg19) VCF-style: chr2-169781204-T-C.
Other names: NM_003742.4(ABCB11):c.3728A>G; p.Asp1243Gly; c.3728A>G (NM_003742.2); short protein forms D1243G.
Identifiers: ClinVar variation 1339159 (VCV001339159.5), dbSNP rs761200259, ClinGen allele CA1950954.